The following is an entry in ClinVar:

ClinVar aggregate classification (germline): Uncertain significance (1 of 4 stars; one submission).

Conditions:
Epileptic encephalopathy. Identifiers: MedGen C0543888, HP:0200134.

gnomAD v4.1: 2 of 1,613,576 alleles (0.00012%); highest among the groups gnomAD compares: Non-Finnish European, 0.00017%; no homozygotes.

Submission:

Labcorp Genetics (formerly Invitae), Labcorp
Classification: Uncertain significance for Epileptic encephalopathy. Last evaluated: 2024-07-22. Review status: criteria provided, single submitter. Criteria: Invitae Variant Classification Sherloc (09022015). Collection method: clinical testing. Allele origin: germline.
Comment: This sequence change replaces glutamic acid, which is acidic and polar, with glutamine, which is neutral and polar, at codon 286 of the GABBR2 protein (p.Glu286Gln). This variant is not present in population databases (gnomAD no frequency). This variant has not been reported in the literature in individuals affected with GABBR2-related conditions. Advanced modeling of protein sequence and biophysical properties (such as structural, functional, and spatial information, amino acid conservation, physicochemical variation, residue mobility, and thermodynamic stability) performed at Invitae indicates that this missense variant is not expected to disrupt GABBR2 protein function with a negative predictive value of 80%. In summary, the available evidence is currently insufficient to determine the role of this variant in disease. Therefore, it has been classified as a Variant of Uncertain Significance.

NM_005458.8(GABBR2):c.856G>C (p.Glu286Gln)

Gene: GABBR2 (gamma-aminobutyric acid type B receptor subunit 2; minus strand). Cytogenetic location: 9q22.33.
Variant type: single nucleotide variant.
Coding change: c.856G>C on transcript NM_005458.8 (MANE Select); coding-DNA position 856, G replaced by C.
Protein change: p.Glu286Gln; replaces glutamic acid 286 with glutamine.
Molecular consequence: missense variant.
Genome position (GRCh38, 1-based): chr9:98,473,289, C>G on the plus strand (G>C on the coding strand, the complement: GABBR2 is on the minus strand). VCF-style: chr9-98473289-C-G. GRCh37 (hg19) VCF-style: chr9-101235571-C-G.
Other names: short protein forms E286Q.
Identifiers: ClinVar variation 3660169 (VCV003660169.2).